The following is an entry in ClinVar:

ClinVar aggregate classification (germline): Uncertain significance. Review status: criteria provided, multiple submitters, no conflicts (2 of 4 stars). 3 submissions from 3 submitters: Uncertain significance (3). Last evaluated 2024-06-19.

Conditions:
Werner syndrome (WRN). Identifiers: Orphanet 902, MedGen C0043119, MONDO:0010196, OMIM 277700.

Allele frequency attached by ClinVar (database versions not stated): gnomAD exomes 0.00001.

Submissions (3):

Fulgent Genetics
Classification: Uncertain significance for Werner syndrome. Last evaluated: 2024-06-19. Review status: criteria provided, single submitter. Criteria: ACMG Guidelines, 2015. Collection method: clinical testing. Allele origin: germline.

Labcorp Genetics (formerly Invitae), Labcorp
Classification: Uncertain significance for Werner syndrome. Last evaluated: 2023-12-06. Review status: criteria provided, single submitter. Criteria: Invitae Variant Classification Sherloc (09022015). Collection method: clinical testing. Allele origin: germline.
Comment: This sequence change replaces isoleucine, which is neutral and non-polar, with valine, which is neutral and non-polar, at codon 257 of the WRN protein (p.Ile257Val). This variant is not present in population databases (gnomAD no frequency). This variant has not been reported in the literature in individuals affected with WRN-related conditions. ClinVar contains an entry for this variant (Variation ID: 290683). Algorithms developed to predict the effect of missense changes on protein structure and function output the following: SIFT: "Not Available"; PolyPhen-2: "Benign"; Align-GVGD: "Not Available". The valine amino acid residue is found in multiple mammalian species, which suggests that this missense change does not adversely affect protein function. In summary, the available evidence is currently insufficient to determine the role of this variant in disease. Therefore, it has been classified as a Variant of Uncertain Significance.

Eurofins Ntd Llc (ga)
Classification: Uncertain significance. Last evaluated: 2016-09-14. Review status: criteria provided, single submitter. Criteria: EGL Classification Definitions 2015. Collection method: clinical testing. Allele origin: germline. Observed: 1 variant allele, 1 heterozygote.

NM_000553.6(WRN):c.769A>G (p.Ile257Val)

Gene: WRN (WRN RecQ like helicase; plus strand). Cytogenetic location: 8p12.
Variant type: single nucleotide variant.
Coding change: c.769A>G on transcript NM_000553.6 (MANE Select); coding-DNA position 769, A replaced by G.
Protein change: p.Ile257Val; replaces isoleucine 257 with valine.
Molecular consequence: missense variant.
Genome position (GRCh38, 1-based): chr8:31,076,217, A>G. VCF-style: chr8-31076217-A-G. GRCh37 (hg19) VCF-style: chr8-30933733-A-G.
Other names: short protein forms I257V.
Identifiers: ClinVar variation 290683 (VCV000290683.8), dbSNP rs886044530, ClinGen allele CA10606873.